The following is an entry in ClinVar:

ClinVar aggregate classification (germline): Uncertain significance (1 of 4 stars; one submission).

Conditions:
Intellectual developmental disorder, autosomal dominant 64. Also called: MENTAL RETARDATION, AUTOSOMAL DOMINANT 64. Identifiers: MedGen C5543067, MONDO:0030934, OMIM 619188.

Submission:

Laboratorio de Genetica e Diagnostico Molecular, Hospital Israelita Albert Einstein
Classification: Uncertain significance for Intellectual developmental disorder, autosomal dominant 64. Last evaluated: 2024-09-24. Review status: criteria provided, single submitter. Criteria: ACMG Guidelines, 2015. Collection method: clinical testing. Allele origin: germline. Affected: yes.
Comment: ACMG classification criteria: PM2 supporting, BP4 supporting

NM_015021.3(ZNF292):c.5851G>A (p.Val1951Ile)

Gene: ZNF292 (zinc finger protein 292; plus strand). Cytogenetic location: 6q14.3.
Variant type: single nucleotide variant.
Coding change: c.5851G>A on transcript NM_015021.3 (MANE Select); coding-DNA position 5851, G replaced by A.
Protein change: p.Val1951Ile; replaces valine 1951 with isoleucine.
Molecular consequence: missense variant.
Genome position (GRCh38, 1-based): chr6:87,259,480, G>A. VCF-style: chr6-87259480-G-A. GRCh37 (hg19) VCF-style: chr6-87969198-G-A.
Other names: c.5431G>A, p.Val1811Ile (NM_001351444.2); short protein forms V1811I, V1951I.
Identifiers: ClinVar variation 4076352 (VCV004076352.1).